The following is an entry in ClinVar:

NM_052989.3(IFT122):c.1993-7G>C

Gene: IFT122 (intraflagellar transport 122; plus strand). Cytogenetic location: 3q21.3.
Variant type: single nucleotide variant.
Coding change: c.1993-7G>C on transcript NM_052989.3 (MANE Select); 7 bases into the intron before coding-DNA position 1993, G replaced by C.
Molecular consequence: intron variant.
Genome position (GRCh38, 1-based): chr3:129,492,134, G>C. VCF-style: chr3-129492134-G-C. GRCh37 (hg19) VCF-style: chr3-129210977-G-C.
Other names: p.?; c.1543-7G>C (NM_001280545.2); c.2146-7G>C (NM_052985.4); c.1969-7G>C (NM_001280541.2); c.1816-7G>C (NM_018262.4); c.1366-7G>C (NM_001280546.2); c.1660-7G>C (NM_052990.3).
Identifiers: ClinVar variation 194901 (VCV000194901.25), dbSNP rs2285354, ClinGen allele CA201430.

ClinVar aggregate classification (germline): Benign. Review status: criteria provided, multiple submitters, no conflicts (2 of 4 stars). 10 submissions from 10 submitters: Benign (8). 2 of the submissions do not count toward it. Last evaluated 2026-02-03.

Conditions:
Cranioectodermal dysplasia 1 (CED1). Also called: LEVIN SYNDROME I. Identifiers: Orphanet 1515, MedGen C0432235, MONDO:0021093, OMIM 218330.

Allele frequency attached by ClinVar (database versions not stated): ESP Exome Variant Server 0.38359; TOPMed 0.42033; 1000 Genomes Project 0.53654; 1000 Genomes Project 30x 0.54325.
gnomAD v4.1: 353,437 of 1,604,430 alleles (22%); highest among the groups gnomAD compares: African/African-American, 84%; 63,735 homozygotes.

Submissions (17):

Labcorp Genetics (formerly Invitae), Labcorp
Classification: Benign for Cranioectodermal dysplasia 1. Last evaluated: 2026-02-03. Review status: criteria provided, single submitter. Criteria: Invitae Variant Classification Sherloc (09022015). Collection method: clinical testing. Allele origin: germline.

Blueprint Genetics
Classification: Benign. Last evaluated: 2024-11-26. Review status: criteria provided, single submitter. Criteria: ACMG Guidelines, 2015. Collection method: clinical testing. Allele origin: germline.

Mayo Clinic Laboratories, Mayo Clinic
Classification: Benign. Last evaluated: 2022-03-09. Review status: criteria provided, single submitter. Criteria: ACMG Guidelines, 2015. Collection method: clinical testing. Allele origin: germline. Observed: 34 variant alleles.

Genome-Nilou Lab
Classification: Benign for Cranioectodermal dysplasia 1. Last evaluated: 2021-08-10. Review status: criteria provided, single submitter. Criteria: ACMG Guidelines, 2015. Collection method: clinical testing. Allele origin: germline. Affected: no.

GeneDx
Classification: Benign. Last evaluated: 2017-09-13. Review status: criteria provided, single submitter. Criteria: GeneDx Variant Classification (06012015). Collection method: clinical testing. Allele origin: germline. Affected: yes.
Comment: This variant is considered likely benign or benign based on one or more of the following criteria: it is a conservative change, it occurs at a poorly conserved position in the protein, it is predicted to be benign by multiple in silico algorithms, and/or has population frequency not consistent with disease.

Eurofins Ntd Llc (ga)
Classification: Benign. Last evaluated: 2015-06-09. Review status: criteria provided, single submitter. Criteria: EGL Classification Definitions 2015. Collection method: clinical testing. Allele origin: germline. Observed: 1 variant allele, 1 homozygote.

Breakthrough Genomics
Classification: Benign. Review status: criteria provided, single submitter. Criteria: ACMG Guidelines, 2015. Collection method: not provided. Allele origin: germline. Inheritance: Autosomal recessive inheritance. Affected: yes.

PreventionGenetics, part of Exact Sciences
Classification: Benign. Review status: criteria provided, single submitter. Criteria: ACMG Guidelines, 2015. Collection method: clinical testing. Allele origin: germline.

Clinical Genetics DNA and cytogenetics Diagnostics Lab, Erasmus MC, Erasmus Medical Center
Classification: Benign. Review status: no assertion criteria provided. Collection method: clinical testing. Allele origin: germline. Affected: yes. Study: VKGL Data-share Consensus. Not counted in ClinVar's aggregate classification.

Diagnostic Laboratory, Department of Genetics, University Medical Center Groningen
Classification: Benign for Cranioectodermal dysplasia 1. Review status: no assertion criteria provided. Collection method: clinical testing. Allele origin: germline. Affected: yes. Study: VKGL Data-share Consensus. Not counted in ClinVar's aggregate classification.

Dr. Peter K. Rogan Lab, Western University
No classification provided (evidence only). Condition: Hepatocellular carcinoma. Review status: no classification provided. Collection method: in vitro. Allele origin: not applicable. Functional consequence: retained intron. Not counted in ClinVar's aggregate classification.

Dr. Peter K. Rogan Lab, Western University
No classification provided (evidence only). Condition: Uveal melanoma. Review status: no classification provided. Collection method: in vitro. Allele origin: not applicable. Functional consequence: retained intron. Not counted in ClinVar's aggregate classification.

Dr. Peter K. Rogan Lab, Western University
No classification provided (evidence only). Condition: Uveal melanoma. Review status: no classification provided. Collection method: in vitro. Allele origin: not applicable. Functional consequence: retained intron. Not counted in ClinVar's aggregate classification.

Dr. Peter K. Rogan Lab, Western University
No classification provided (evidence only). Condition: Uveal melanoma. Review status: no classification provided. Collection method: in vitro. Allele origin: not applicable. Functional consequence: retained intron. Not counted in ClinVar's aggregate classification.

Dr. Peter K. Rogan Lab, Western University
No classification provided (evidence only). Condition: Uveal melanoma. Review status: no classification provided. Collection method: in vitro. Allele origin: not applicable. Functional consequence: retained intron. Not counted in ClinVar's aggregate classification.

Dr. Peter K. Rogan Lab, Western University
No classification provided (evidence only). Condition: Uveal melanoma. Review status: no classification provided. Collection method: in vitro. Allele origin: not applicable. Functional consequence: retained intron. Not counted in ClinVar's aggregate classification.

Dr. Peter K. Rogan Lab, Western University
No classification provided (evidence only). Condition: Uveal melanoma. Review status: no classification provided. Collection method: in vitro. Allele origin: not applicable. Functional consequence: retained intron. Not counted in ClinVar's aggregate classification.